The following is an entry in ClinVar:

NM_001303256.3(MORC2):c.684G>A (p.Thr228=)

Gene: MORC2 (MORC family CW-type zinc finger 2; minus strand). Cytogenetic location: 22q12.2.
Variant type: single nucleotide variant.
Coding change: c.684G>A on transcript NM_001303256.3 (MANE Select); coding-DNA position 684, G replaced by A.
Protein change: p.Thr228=; no amino-acid change (threonine 228 retained).
Molecular consequence: synonymous variant.
Genome position (GRCh38, 1-based): chr22:30,941,905, C>T on the plus strand (G>A on the coding strand, the complement: MORC2 is on the minus strand). VCF-style: chr22-30941905-C-T. GRCh37 (hg19) VCF-style: chr22-31337892-C-T.
Other names: c.684G>A, p.Thr228= (NM_001303257.2); c.498G>A, p.Thr166= (NM_014941.3).
Identifiers: ClinVar variation 742699 (VCV000742699.11), dbSNP rs534900451, ClinGen allele CA10187196.

ClinVar aggregate classification (germline): Likely benign. Review status: criteria provided, multiple submitters, no conflicts (2 of 4 stars). 2 submissions from 2 submitters: Likely benign (2). Last evaluated 2026-09-24.

Conditions:
MORC2-related disorder. Also called: MORC2-related condition.
Charcot-Marie-Tooth disease axonal type 2Z. Also called: CHARCOT-MARIE-TOOTH NEUROPATHY, TYPE 2Z; CHARCOT-MARIE-TOOTH DISEASE, AXONAL, AUTOSOMAL DOMINANT, TYPE 2Z. Identifiers: Orphanet 466768, MedGen C5569025, MONDO:0014736, OMIM 616688.

Allele frequency attached by ClinVar (database versions not stated): gnomAD 0.00001; ExAC 0.00002; gnomAD exomes 0.00002 and 0.00003; 1000 Genomes Project 30x 0.00016; 1000 Genomes Project 0.00020.
gnomAD v4.1: 43 of 1,612,042 alleles (0.0027%); highest among the groups gnomAD compares: Middle Eastern, 0.017%; no homozygotes.

Submissions (2):

PreventionGenetics, part of Exact Sciences
Classification: Likely benign for MORC2-related condition. Last evaluated: 2026-09-24. Review status: criteria provided, single submitter. Criteria: ACMG Guidelines, 2015. Collection method: clinical testing. Allele origin: germline.
Comment: This variant is classified as likely benign based on ACMG/AMP sequence variant interpretation guidelines (Richards et al. 2015 PMID: 25741868, with internal and published modifications).

Labcorp Genetics (formerly Invitae), Labcorp
Classification: Likely benign for Charcot-Marie-Tooth disease axonal type 2Z. Last evaluated: 2024-07-16. Review status: criteria provided, single submitter. Criteria: Invitae Variant Classification Sherloc (09022015). Collection method: clinical testing. Allele origin: germline.